The following is an entry in ClinVar:

NM_012120.3(CD2AP):c.1651A>G (p.Thr551Ala)

Gene: CD2AP (CD2 associated protein; plus strand). Cytogenetic location: 6p12.3.
Variant type: single nucleotide variant.
Coding change: c.1651A>G on transcript NM_012120.3 (MANE Select); coding-DNA position 1651, A replaced by G.
Protein change: p.Thr551Ala; replaces threonine 551 with alanine.
Molecular consequence: missense variant.
Genome position (GRCh38, 1-based): chr6:47,609,141, A>G. VCF-style: chr6-47609141-A-G. GRCh37 (hg19) VCF-style: chr6-47576877-A-G.
Other names: short protein forms T551A.
Identifiers: ClinVar variation 357178 (VCV000357178.5), dbSNP rs200024855, ClinGen allele CA3844426.

ClinVar aggregate classification (germline): Likely benign (1 of 4 stars; one submission).

Conditions:
Focal segmental glomerulosclerosis 3, susceptibility to (FSGS3). Identifiers: Orphanet 656, MedGen C1842982, MONDO:0011917, OMIM 607832.

Allele frequency attached by ClinVar (database versions not stated): gnomAD 0.00001 and 0.00003; gnomAD exomes 0.00002 and 0.00003; TOPMed 0.00002; ExAC 0.00003; 1000 Genomes Project 30x 0.00031; 1000 Genomes Project 0.00040.
gnomAD v4.1: 33 of 1,613,120 alleles (0.002%); highest among the groups gnomAD compares: Middle Eastern, 0.017%; no homozygotes.

Submission:

Illumina Laboratory Services, Illumina
Classification: Likely benign for Focal segmental glomerulosclerosis 3, susceptibility to. Last evaluated: 2018-01-13. Review status: criteria provided, single submitter. Criteria: ICSL Variant Classification Criteria 13 December 2019. Collection method: clinical testing. Allele origin: germline.
Comment: This variant was observed in the ICSL laboratory as part of a predisposition screen in an ostensibly healthy population. It had not been previously curated by ICSL or reported in the Human Gene Mutation Database (HGMD: prior to June 1st, 2018), and was therefore a candidate for classification through an automated scoring system. Utilizing variant allele frequency, disease prevalence and penetrance estimates, and inheritance mode, an automated score was calculated to assess if this variant is too frequent to cause the disease. Based on the score and internal cut-off values, a variant classified as likely benign is not then subjected to further curation. The score for this variant resulted in a classification of likely benign for this disease.